The following is an entry in ClinVar:

NM_032634.4(PIGO):c.2053C>T (p.Arg685Cys)

Gene: PIGO (phosphatidylinositol glycan anchor biosynthesis class O; minus strand). Cytogenetic location: 9p13.3.
Variant type: single nucleotide variant.
Coding change: c.2053C>T on transcript NM_032634.4 (MANE Select); coding-DNA position 2053, C replaced by T.
Protein change: p.Arg685Cys; replaces arginine 685 with cysteine.
Molecular consequence: missense variant. On other transcripts: intron variant (2).
Genome position (GRCh38, 1-based): chr9:35,091,834, G>A on the plus strand (C>T on the coding strand, the complement: PIGO is on the minus strand). VCF-style: chr9-35091834-G-A. GRCh37 (hg19) VCF-style: chr9-35091831-G-A.
Other names: c.1345-543C>T (NM_152850.4, NM_001201484.2); short protein forms R685C.
Identifiers: ClinVar variation 569273 (VCV000569273.7), dbSNP rs138547909, ClinGen allele CA5040513.

ClinVar aggregate classification (germline): Uncertain significance. Review status: criteria provided, multiple submitters, no conflicts (2 of 4 stars). 2 submissions from 2 submitters: Uncertain significance (2). Last evaluated 2025-03-24.

Conditions:
Hyperphosphatasia with impaired intellectual development syndrome 2. Also called: Hyperphosphatasia with intellectual disability syndrome 2; GLYCOSYLPHOSPHATIDYLINOSITOL BIOSYNTHESIS DEFECT 6. Identifiers: Orphanet 247262, MedGen C3553637, MONDO:0013882, OMIM 614749.

Allele frequency attached by ClinVar (database versions not stated): gnomAD exomes 0.00002 and 0.00004; ESP Exome Variant Server 0.00008; ExAC 0.00002; TOPMed 0.00004.
gnomAD v4.1: 33 of 1,613,832 alleles (0.002%); highest among the groups gnomAD compares: Admixed American, 0.0067%; no homozygotes.

Submissions (2):

GeneDx
Classification: Uncertain significance. Last evaluated: 2025-03-24. Review status: criteria provided, single submitter. Criteria: GeneDx Variant Classification Process June 2021. Collection method: clinical testing. Allele origin: germline. Affected: yes.
Comment: Reported previously in a patient with a severe language impairment; however, no further clinical or segregation information was provided and the patient also harbored other variants (PMID: 28440294); Not observed at significant frequency in large population cohorts (gnomAD); In silico analysis supports that this missense variant has a deleterious effect on protein structure/function; This variant is associated with the following publications: (PMID: 28440294)

Labcorp Genetics (formerly Invitae), Labcorp
Classification: Uncertain significance for Hyperphosphatasia with impaired intellectual development syndrome 2. Last evaluated: 2021-11-22. Review status: criteria provided, single submitter. Criteria: Invitae Variant Classification Sherloc (09022015). Collection method: clinical testing. Allele origin: germline.
Comment: ClinVar contains an entry for this variant (Variation ID: 569273). This variant has not been reported in the literature in individuals affected with PIGO-related conditions. This variant is present in population databases (rs138547909, gnomAD 0.01%). This sequence change replaces arginine, which is basic and polar, with cysteine, which is neutral and slightly polar, at codon 685 of the PIGO protein (p.Arg685Cys). In summary, the available evidence is currently insufficient to determine the role of this variant in disease. Therefore, it has been classified as a Variant of Uncertain Significance. Algorithms developed to predict the effect of missense changes on protein structure and function are either unavailable or do not agree on the potential impact of this missense change (SIFT: "Deleterious"; PolyPhen-2: "Probably Damaging"; Align-GVGD: "Class C0").